The following is an entry in ClinVar:

ClinVar aggregate classification (germline): Uncertain significance (1 of 4 stars; one submission).

Allele frequency attached by ClinVar (database versions not stated): TOPMed 0.00002; gnomAD 0.00001.
gnomAD v4.1: 7 of 1,613,118 alleles (0.00043%); highest among the groups gnomAD compares: Non-Finnish European, 0.00059%; no homozygotes.

Submission:

Labcorp Genetics (formerly Invitae), Labcorp
Classification: Uncertain significance. Last evaluated: 2020-05-07. Review status: criteria provided, single submitter. Criteria: Invitae Variant Classification Sherloc (09022015). Collection method: clinical testing. Allele origin: germline.
Comment: In summary, the available evidence is currently insufficient to determine the role of this variant in disease. Therefore, it has been classified as a Variant of Uncertain Significance. Algorithms developed to predict the effect of missense changes on protein structure and function are either unavailable or do not agree on the potential impact of this missense change (SIFT: "Deleterious"; PolyPhen-2: "Possibly Damaging"; Align-GVGD: "Class C0"). This variant has not been reported in the literature in individuals with RBP3-related conditions. This variant is present in population databases (rs782818273, ExAC 0.006%). This sequence change replaces serine with isoleucine at codon 900 of the RBP3 protein (p.Ser900Ile). The serine residue is highly conserved and there is a large physicochemical difference between serine and isoleucine.

NM_002900.3(RBP3):c.2699G>T (p.Ser900Ile)

Gene: RBP3 (retinol binding protein 3; plus strand). Cytogenetic location: 10q11.22.
Variant type: single nucleotide variant.
Coding change: c.2699G>T on transcript NM_002900.3 (MANE Select); coding-DNA position 2699, G replaced by T.
Protein change: p.Ser900Ile; replaces serine 900 with isoleucine.
Molecular consequence: missense variant.
Genome position (GRCh38, 1-based): chr10:47,351,183, G>T. VCF-style: chr10-47351183-G-T. GRCh37 (hg19) VCF-style: chr10-48388179-C-A.
Other names: short protein forms S900I.
Identifiers: ClinVar variation 1022143 (VCV001022143.7), dbSNP rs782818273, ClinGen allele CA5487219.